The following is an entry in ClinVar:

NM_001386140.1(MTTP):c.1717A>T (p.Lys573Ter)

Gene: MTTP (microsomal triglyceride transfer protein; plus strand). Cytogenetic location: 4q23.
Variant type: single nucleotide variant.
Coding change: c.1717A>T on transcript NM_001386140.1 (MANE Select); coding-DNA position 1717, A replaced by T.
Protein change: p.Lys573Ter; replaces lysine 573 with a stop codon.
Molecular consequence: nonsense.
Genome position (GRCh38, 1-based): chr4:99,608,925, A>T. VCF-style: chr4-99608925-A-T. GRCh37 (hg19) VCF-style: chr4-100530082-A-T.
Other names: c.1717A>T, p.Lys573Ter (NM_000253.4); c.1468A>T, p.Lys490Ter (NM_001300785.2); short protein forms K490*, K573*.
Identifiers: ClinVar variation 983773 (VCV000983773.3), dbSNP rs1725886004, ClinGen allele CA357513215.
Genomic context (GRCh38, chr4:99,608,925, plus strand): 5'-TCCTACATGGACGTCAAGAACATCCTGCTGTCTATTGGGGAGCTTCCCCAAGAAATGAAT[A>T]AATACATGCTCGCCATTGTTCAAGACATCCTACGTTTTGAAATGCCTGCAAGGTATAATA-3'

ClinVar aggregate classification (germline): Likely pathogenic (1 of 4 stars; one submission).

Conditions:
Abetalipoproteinaemia (ABL). Also called: Abetalipoproteinemia; Abetalipoproteinemia neuropathy; Apolipoprotein B deficiency; Congenital betalipoprotein deficiency syndrome; MTP DEFICIENCY. Identifiers: Orphanet 14, MedGen C0000744, MONDO:0008692, OMIM 200100, HP:0008181.

Submission:

Myriad Genetics, Inc.
Classification: Likely pathogenic for Abetalipoproteinaemia. Last evaluated: 2020-01-04. Review status: criteria provided, single submitter. Criteria: Myriad Women's Health Autosomal Recessive and X-Linked Classification Criteria (2019). Collection method: clinical testing. Allele origin: unknown.
Comment: NM_000253.2(MTTP):c.1717A>T(K573*) is expected to be pathogenic in the context of abetalipoproteinemia. This variant is predicted to lead to an abnormal or absent protein product due to the creation of a premature termination codon in MTTP, a gene where loss-of-function variants are known to be pathogenic. Please note: this variant was assessed in the context of healthy population screening.